The following is an entry in ClinVar:

NM_006397.3(RNASEH2A):c.339_343dup (p.Ser115Ter)

Gene: RNASEH2A (ribonuclease H2 subunit A; plus strand). Cytogenetic location: 19p13.13.
Variant type: Duplication.
Coding change: c.339_343dup on transcript NM_006397.3 (MANE Select); coding-DNA positions 339 to 343, 5 bases duplicated (GAACT; older notation c.339_343dupGAACT).
Protein change: p.Ser115Ter; replaces serine 115 with a stop codon.
Molecular consequence: nonsense.
Genome position (GRCh38, 1-based): chr19:12,807,434-12,807,438, GAACT duplicated; duplicating any 5 consecutive bases within chr19:12,807,432-12,807,438 gives the same sequence; the c. name uses the placement nearest the transcript's 3' end. VCF-style (leftmost placement, unchanged base first): chr19-12807431-C-CCTGAA. GRCh37 (hg19) VCF-style: chr19-12918245-C-CCTGAA.
Other names: short protein forms S115*.
Identifiers: ClinVar variation 2862481 (VCV002862481.3), dbSNP rs762934652, ClinGen allele CA9231857.

ClinVar aggregate classification (germline): Pathogenic (1 of 4 stars; one submission).

Conditions:
Aicardi-Goutieres syndrome 4. Identifiers: Orphanet 51, MedGen C1835912, MONDO:0012472, OMIM 610333.

Submission:

Labcorp Genetics (formerly Invitae), Labcorp
Classification: Pathogenic for Aicardi-Goutieres syndrome 4. Last evaluated: 2023-12-01. Review status: criteria provided, single submitter. Criteria: Invitae Variant Classification Sherloc (09022015). Collection method: clinical testing. Allele origin: germline.
Comment: This sequence change creates a premature translational stop signal (p.Ser115*) in the RNASEH2A gene. It is expected to result in an absent or disrupted protein product. Loss-of-function variants in RNASEH2A are known to be pathogenic (PMID: 21454563, 25274781). This variant is present in population databases (rs762934652, gnomAD 0.0009%). This variant has not been reported in the literature in individuals affected with RNASEH2A-related conditions. For these reasons, this variant has been classified as Pathogenic.

Literature cited by the submitters: PubMed 21454563; PubMed 25274781.